The following is an entry in ClinVar:

ClinVar aggregate classification (germline): Pathogenic (1 of 4 stars; one submission).

Allele frequency attached by ClinVar (database versions not stated): TOPMed 0.00001.

Submission:

Labcorp Genetics (formerly Invitae), Labcorp
Classification: Pathogenic. Last evaluated: 2022-05-28. Review status: criteria provided, single submitter. Criteria: Invitae Variant Classification Sherloc (09022015). Collection method: clinical testing. Allele origin: germline.
Comment: For these reasons, this variant has been classified as Pathogenic. This variant has not been reported in the literature in individuals affected with CEP135-related conditions. This variant is not present in population databases (gnomAD no frequency). This sequence change creates a premature translational stop signal (p.Met365Glyfs*19) in the CEP135 gene. It is expected to result in an absent or disrupted protein product. Loss-of-function variants in CEP135 are known to be pathogenic (PMID: 22521416, 26657937).

Literature cited by the submitters: PubMed 22521416; PubMed 26657937.

NM_025009.5(CEP135):c.1092_1093del (p.Met365fs)

Gene: CEP135 (centrosomal protein 135; plus strand). Cytogenetic location: 4q12.
Variant type: Deletion.
Coding change: c.1092_1093del on transcript NM_025009.5 (MANE Select); coding-DNA positions 1092 to 1093, 2 bases deleted (AA; older notation c.1092_1093delAA).
Protein change: p.Met365fs; shifts the reading frame from methionine 365.
Molecular consequence: frameshift variant.
Genome position (GRCh38, 1-based): chr4:55,969,110-55,969,111, AA deleted. VCF-style (leftmost placement, unchanged base first): chr4-55969109-CAA-C. GRCh37 (hg19) VCF-style: chr4-56835275-CAA-C.
Other names: short protein forms M365fs.
Identifiers: ClinVar variation 2048259 (VCV002048259.4), dbSNP rs879686998, ClinGen allele CA96959043.